The following is an entry in ClinVar:

NM_015404.4(WHRN):c.2291G>A (p.Ser764Asn)

Gene: WHRN (whirlin; minus strand). Cytogenetic location: 9q32.
Variant type: single nucleotide variant.
Coding change: c.2291G>A on transcript NM_015404.4 (MANE Select); coding-DNA position 2291, G replaced by A.
Protein change: p.Ser764Asn; replaces serine 764 with asparagine.
Molecular consequence: missense variant.
Genome position (GRCh38, 1-based): chr9:114,404,023, C>T on the plus strand (G>A on the coding strand, the complement: WHRN is on the minus strand). VCF-style: chr9-114404023-C-T. GRCh37 (hg19) VCF-style: chr9-117166303-C-T.
Other names: c.1142G>A, p.Ser381Asn (NM_001083885.3); c.2288G>A, p.Ser763Asn (NM_001173425.2); c.1238G>A, p.Ser413Asn (NM_001346890.1); short protein forms S381N, S413N, S763N, S764N.
Identifiers: ClinVar variation 1011294 (VCV001011294.8), dbSNP rs1319848263, ClinGen allele CA374619887.

ClinVar aggregate classification (germline): Uncertain significance (1 of 4 stars; one submission).

Allele frequency attached by ClinVar (database versions not stated): TOPMed below 0.00001.

Submission:

Labcorp Genetics (formerly Invitae), Labcorp
Classification: Uncertain significance. Last evaluated: 2022-05-27. Review status: criteria provided, single submitter. Criteria: Invitae Variant Classification Sherloc (09022015). Collection method: clinical testing. Allele origin: germline.
Comment: Algorithms developed to predict the effect of missense changes on protein structure and function are either unavailable or do not agree on the potential impact of this missense change (SIFT: "Tolerated"; PolyPhen-2: "Probably Damaging"; Align-GVGD: "Class C0"). In summary, the available evidence is currently insufficient to determine the role of this variant in disease. Therefore, it has been classified as a Variant of Uncertain Significance. This variant is not present in population databases (gnomAD no frequency). ClinVar contains an entry for this variant (Variation ID: 1011294). This variant has not been reported in the literature in individuals affected with WHRN-related conditions. This sequence change replaces serine, which is neutral and polar, with asparagine, which is neutral and polar, at codon 764 of the WHRN protein (p.Ser764Asn).